The following is an entry in ClinVar:

NM_001289125.3(IFNAR2):c.175C>T (p.His59Tyr)

Genes: IFNAR2 (interferon alpha and beta receptor subunit 2; plus strand), IFNAR2-IL10RB (IFNAR2-IL10RB readthrough; plus strand). Cytogenetic location: 21q22.11.
Variant type: single nucleotide variant.
Coding change: c.175C>T on transcript NM_001289125.3 (MANE Select); coding-DNA position 175, C replaced by T.
Protein change: p.His59Tyr; replaces histidine 59 with tyrosine.
Molecular consequence: missense variant.
Genome position (GRCh38, 1-based): chr21:33,245,028, C>T. VCF-style: chr21-33245028-C-T. GRCh37 (hg19) VCF-style: chr21-34617333-C-T.
Other names: c.175C>T, p.His59Tyr (NM_000874.5, NM_001289126.2, NM_001289128.2 and 4 more transcripts); short protein forms H59Y.
Identifiers: ClinVar variation 1005430 (VCV001005430.9), dbSNP rs768519080, ClinGen allele CA10005573.

ClinVar aggregate classification (germline): Uncertain significance (1 of 4 stars; one submission).

Allele frequency attached by ClinVar (database versions not stated): gnomAD exomes below 0.00001; ExAC 0.00001.
gnomAD v4.1: 1 of 1,610,684 alleles (0.000062%); highest among the groups gnomAD compares: Non-Finnish European, 0.000085%; no homozygotes.

Submission:

Labcorp Genetics (formerly Invitae), Labcorp
Classification: Uncertain significance. Last evaluated: 2022-10-05. Review status: criteria provided, single submitter. Criteria: Invitae Variant Classification Sherloc (09022015). Collection method: clinical testing. Allele origin: germline.
Comment: In summary, the available evidence is currently insufficient to determine the role of this variant in disease. Therefore, it has been classified as a Variant of Uncertain Significance. Algorithms developed to predict the effect of missense changes on protein structure and function (SIFT, PolyPhen-2, Align-GVGD) all suggest that this variant is likely to be tolerated. ClinVar contains an entry for this variant (Variation ID: 1005430). This variant has not been reported in the literature in individuals affected with IFNAR2-related conditions. This variant is present in population databases (rs768519080, gnomAD 0.0009%). This sequence change replaces histidine, which is basic and polar, with tyrosine, which is neutral and polar, at codon 59 of the IFNAR2 protein (p.His59Tyr).